The following is an entry in ClinVar:

ClinVar aggregate classification (germline): Uncertain significance (1 of 4 stars; one submission).

Allele frequency attached by ClinVar (database versions not stated): gnomAD 0.00003; TOPMed 0.00003; ExAC 0.00004.
gnomAD v4.1: 38 of 1,612,340 alleles (0.0024%); highest among the groups gnomAD compares: East Asian, 0.072%; no homozygotes.

Submission:

Labcorp Genetics (formerly Invitae), Labcorp
Classification: Uncertain significance. Last evaluated: 2022-09-06. Review status: criteria provided, single submitter. Criteria: Invitae Variant Classification Sherloc (09022015). Collection method: clinical testing. Allele origin: germline.
Comment: This sequence change replaces arginine, which is basic and polar, with histidine, which is basic and polar, at codon 848 of the FBN3 protein (p.Arg848His). This variant is present in population databases (rs757939651, gnomAD 0.04%). In summary, the available evidence is currently insufficient to determine the role of this variant in disease. Therefore, it has been classified as a Variant of Uncertain Significance. Algorithms developed to predict the effect of missense changes on protein structure and function output the following: SIFT: "Not Available"; PolyPhen-2: "Benign"; Align-GVGD: "Not Available". The histidine amino acid residue is found in multiple mammalian species, which suggests that this missense change does not adversely affect protein function. This variant has not been reported in the literature in individuals affected with FBN3-related conditions.

NM_032447.5(FBN3):c.2543G>A (p.Arg848His)

Gene: FBN3 (fibrillin 3; minus strand). Cytogenetic location: 19p13.2.
Variant type: single nucleotide variant.
Coding change: c.2543G>A on transcript NM_032447.5 (MANE Select); coding-DNA position 2543, G replaced by A.
Protein change: p.Arg848His; replaces arginine 848 with histidine.
Molecular consequence: missense variant.
Genome position (GRCh38, 1-based): chr19:8,126,479, C>T on the plus strand (G>A on the coding strand, the complement: FBN3 is on the minus strand). VCF-style: chr19-8126479-C-T. GRCh37 (hg19) VCF-style: chr19-8191363-C-T.
Other names: c.2543G>A, p.Arg848His (NM_001321431.2); short protein forms R848H.
Identifiers: ClinVar variation 1897870 (VCV001897870.5), dbSNP rs757939651, ClinGen allele CA9152853.